The following is an entry in ClinVar:

ClinVar aggregate classification (germline): Uncertain significance (1 of 4 stars; one submission).

Submission:

CeGaT Center for Human Genetics Tuebingen
Classification: Uncertain significance. Last evaluated: 2024-07-01. Review status: criteria provided, single submitter. Criteria: CeGaT Center For Human Genetics Tuebingen Variant Classification Criteria Version 2. Collection method: clinical testing. Allele origin: germline. Affected: yes. Observed: 1 variant allele.
Comment: SLC6A8: PM2, PP2, PP3

NM_005629.4(SLC6A8):c.1120A>T (p.Ile374Phe)

Gene: SLC6A8 (solute carrier family 6 member 8; plus strand). Cytogenetic location: Xq28.
Variant type: single nucleotide variant.
Coding change: c.1120A>T on transcript NM_005629.4 (MANE Select); coding-DNA position 1120, A replaced by T.
Protein change: p.Ile374Phe; replaces isoleucine 374 with phenylalanine.
Molecular consequence: missense variant.
Genome position (GRCh38, 1-based): chrX:153,693,565, A>T. VCF-style: chrX-153693565-A-T. GRCh37 (hg19) VCF-style: chrX-152959020-A-T.
Other names: c.1090A>T, p.Ile364Phe (NM_001142805.2); c.775A>T, p.Ile259Phe (NM_001142806.1); short protein forms I259F, I364F, I374F.
Identifiers: ClinVar variation 3251219 (VCV003251219.18), dbSNP rs2522163716.